The following is an entry in ClinVar:

NM_013339.4(ALG6):c.*1136C>T

Gene: ALG6 (ALG6 alpha-1,3-glucosyltransferase; plus strand). Cytogenetic location: 1p31.3.
Variant type: single nucleotide variant.
Coding change: c.*1136C>T on transcript NM_013339.4 (MANE Select); 1136 bases downstream of the stop codon, C replaced by T.
Molecular consequence: 3 prime UTR variant.
Genome position (GRCh38, 1-based): chr1:63,438,156, C>T. VCF-style: chr1-63438156-C-T. GRCh37 (hg19) VCF-style: chr1-63903827-C-T.
Other names: c.*1136C>T (LRG_1260t1).
Identifiers: ClinVar variation 297864 (VCV000297864.5), dbSNP rs143324400, ClinGen allele CA10610240.

ClinVar aggregate classification (germline): Likely benign (1 of 4 stars; one submission).

Conditions:
ALG6-congenital disorder of glycosylation 1C (CDG1C). Also called: CDG Ic; CARBOHYDRATE-DEFICIENT GLYCOPROTEIN SYNDROME, TYPE I, WITH DEFICIENT GLYCOSYLATION OF DOLICHOL-LINKED OLIGOSACCHARIDE; CARBOHYDRATE-DEFICIENT GLYCOPROTEIN SYNDROME, TYPE V; Congenital disorder of glycosylation type 1C; Congenital disorder of glycosylation, type Ic. Identifiers: Orphanet 79320, MedGen C2930997, MONDO:0011291, OMIM 603147.

Allele frequency attached by ClinVar (database versions not stated): gnomAD 0.00415 and 0.00429; TOPMed 0.00446; 1000 Genomes Project 0.00619; 1000 Genomes Project 30x 0.00640.

Submission:

Illumina Laboratory Services, Illumina
Classification: Likely benign for ALG6-congenital disorder of glycosylation 1C. Last evaluated: 2018-01-13. Review status: criteria provided, single submitter. Criteria: ICSL Variant Classification Criteria 13 December 2019. Collection method: clinical testing. Allele origin: germline.
Comment: This variant was observed in the ICSL laboratory as part of a predisposition screen in an ostensibly healthy population. It had not been previously curated by ICSL or reported in the Human Gene Mutation Database (HGMD: prior to June 1st, 2018), and was therefore a candidate for classification through an automated scoring system. Utilizing variant allele frequency, disease prevalence and penetrance estimates, and inheritance mode, an automated score was calculated to assess if this variant is too frequent to cause the disease. Based on the score and internal cut-off values, a variant classified as likely benign is not then subjected to further curation. The score for this variant resulted in a classification of likely benign for this disease.